The following is an entry in ClinVar:

Conditions:
Breast-ovarian cancer, familial, susceptibility to, 1 (BROVCA1). Also called: BRCA1 Hereditary Breast and Ovarian Cancer; OVARIAN CANCER, SUSCEPTIBILITY TO. Identifiers: Orphanet 145, MedGen C2676676, MONDO:0011450, OMIM 604370. Disease mechanism: loss of function.

Submission:

Brotman Baty Institute, University of Washington
No classification provided (evidence only). Condition: Breast-ovarian cancer, familial 1. Review status: no classification provided. Collection method: in vitro. Allele origin: not applicable. Functional consequence: functionally_normal.
ClinVar note: "not provided" was previously submitted as the classification for the variant. However, the classification appeared to be based only on an observation of functional data so it was converted to no classification on 2025-07-30.

NM_007294.4(BRCA1):c.5129G>T (p.Gly1710Val)

Gene: BRCA1 (BRCA1 DNA repair associated; minus strand). Cytogenetic location: 17q21.31.
Variant type: single nucleotide variant.
Coding change: c.5129G>T on transcript NM_007294.4 (MANE Select); coding-DNA position 5129, G replaced by T.
Protein change: p.Gly1710Val; replaces glycine 1710 with valine.
Molecular consequence: missense variant. On other transcripts: non-coding transcript variant (1).
Genome position (GRCh38, 1-based): chr17:43,063,897, C>A on the plus strand (G>T on the coding strand, the complement: BRCA1 is on the minus strand). VCF-style: chr17-43063897-C-A. GRCh37 (hg19) VCF-style: chr17-41215914-C-A.
Other names: c.5126G>T, p.Gly1709Val (NM_001407621.1, NM_001407622.1, NM_001407614.1 and 17 more transcripts); c.5123G>T, p.Gly1708Val (NM_001407633.1, NM_001407634.1, NM_001407635.1 and 14 more transcripts); c.5048G>T, p.Gly1683Val (NM_001407656.1, NM_001407657.1, NM_001407658.1); c.5045G>T, p.Gly1682Val (NM_001407659.1, NM_001407660.1, NM_001407661.1 and 2 more transcripts); c.5006G>T, p.Gly1669Val (NM_001407664.1, NM_001407919.1, NM_001407937.1 and 6 more transcripts); c.5003G>T, p.Gly1668Val (NM_001407675.1, NM_001407676.1, NM_001407677.1 and 10 more transcripts); c.5000G>T, p.Gly1667Val (NM_001407681.1, NM_001407682.1, NM_001407683.1 and 6 more transcripts); c.4988G>T, p.Gly1663Val (NM_001407695.1, NM_001407696.1, NM_001407697.1 and 13 more transcripts); and 71 more; short protein forms G1731V, G1663V, G606V, G1710V, G1582V, G1598V, G1661V, G1682V.
Identifiers: ClinVar variation 869068 (VCV000869068.3), dbSNP rs398122691, ClinGen allele CA10591283.